The following is an entry in ClinVar:

ClinVar aggregate classification (germline): Uncertain significance (1 of 4 stars; one submission).

Conditions:
Autosomal dominant hypocalcemia 1 (HYPOC1). Also called: HYPOCALCEMIA, FAMILIAL. Identifiers: MedGen C3715128, MONDO:0011013, OMIM 601198.
Familial hypocalciuric hypercalcemia (FHH). Also called: Familial benign hypercalcemia. Identifiers: Orphanet 405, MedGen C1809471, MONDO:0018458.

Submission:

Labcorp Genetics (formerly Invitae), Labcorp
Classification: Uncertain significance for Familial hypocalciuric hypercalcemia; Autosomal dominant hypocalcemia 1. Last evaluated: 2025-07-05. Review status: criteria provided, single submitter. Criteria: Invitae Variant Classification Sherloc (09022015). Collection method: clinical testing. Allele origin: germline.
Comment: This sequence change replaces glycine, which is neutral and non-polar, with valine, which is neutral and non-polar, at codon 847 of the CASR protein (p.Gly847Val). This variant is not present in population databases (gnomAD no frequency). This variant has not been reported in the literature in individuals affected with CASR-related conditions. An algorithm developed to predict the effect of missense changes on protein structure and function (PolyPhen-2) suggests that this variant is likely to be disruptive. In summary, the available evidence is currently insufficient to determine the role of this variant in disease. Therefore, it has been classified as a Variant of Uncertain Significance.

NM_000388.4(CASR):c.2540G>T (p.Gly847Val)

Gene: CASR (calcium sensing receptor; plus strand). Cytogenetic location: 3q21.1.
Variant type: single nucleotide variant.
Coding change: c.2540G>T on transcript NM_000388.4 (MANE Select); coding-DNA position 2540, G replaced by T.
Protein change: p.Gly847Val; replaces glycine 847 with valine.
Molecular consequence: missense variant.
Genome position (GRCh38, 1-based): chr3:122,284,494, G>T. VCF-style: chr3-122284494-G-T. GRCh37 (hg19) VCF-style: chr3-122003341-G-T.
Other names: c.2570G>T, p.Gly857Val (NM_001178065.2); short protein forms G857V, G847V.
Identifiers: ClinVar variation 4785482 (VCV004785482.1).